The following is an entry in ClinVar:

ClinVar aggregate classification (germline): Likely benign. Review status: criteria provided, multiple submitters, no conflicts (2 of 4 stars). 3 submissions from 3 submitters: Likely benign (2). 1 of the submissions does not count toward it. Last evaluated 2021-08-09.

Conditions:
Inborn genetic diseases. Identifiers: MedGen C0950123, MeSH D030342.
Multiple congenital anomalies-hypotonia-seizures syndrome 1 (MCAHS1). Also called: PIGN-CDG; Congenital disorder of glycosylation due to PIGN deficiency; GLYCOSYLPHOSPHATIDYLINOSITOL BIOSYNTHESIS DEFECT 3. Identifiers: Orphanet 280633, MedGen C3279775, MONDO:0013563, OMIM 614080.
PIGN-related disorder. Also called: PIGN-related condition.

Allele frequency attached by ClinVar (database versions not stated): gnomAD exomes 0.00007 and 0.00015; ExAC 0.00027; gnomAD 0.00067 and 0.00072; TOPMed 0.00083; 1000 Genomes Project 0.00120; 1000 Genomes Project 30x 0.00141.
gnomAD v4.1: 204 of 1,536,988 alleles (0.013%); highest among the groups gnomAD compares: African/African-American, 0.26%; 1 homozygote.

Submissions (3):

Ambry Genetics
Classification: Likely benign for Inborn genetic diseases. Last evaluated: 2021-08-09. Review status: criteria provided, single submitter. Criteria: Ambry Variant Classification Scheme 2023. Collection method: clinical testing. Allele origin: germline.

Labcorp Genetics (formerly Invitae), Labcorp
Classification: Likely benign for Multiple congenital anomalies-hypotonia-seizures syndrome 1. Last evaluated: 2020-11-13. Review status: criteria provided, single submitter. Criteria: Invitae Variant Classification Sherloc (09022015). Collection method: clinical testing. Allele origin: germline.

PreventionGenetics, part of Exact Sciences
Classification: Likely benign for PIGN-related condition. Last evaluated: 2022-05-20. Review status: no assertion criteria provided. Collection method: clinical testing. Allele origin: germline. Not counted in ClinVar's aggregate classification.
Comment: This variant is classified as likely benign based on ACMG/AMP sequence variant interpretation guidelines (Richards et al. 2015 PMID: 25741868, with internal and published modifications).

NM_176787.5(PIGN):c.2412A>G (p.Ile804Met)

Gene: PIGN (phosphatidylinositol glycan anchor biosynthesis class N; minus strand). Cytogenetic location: 18q21.33.
Variant type: single nucleotide variant.
Coding change: c.2412A>G on transcript NM_176787.5 (MANE Select); coding-DNA position 2412, A replaced by G.
Protein change: p.Ile804Met; replaces isoleucine 804 with methionine.
Molecular consequence: missense variant.
Genome position (GRCh38, 1-based): chr18:62,085,223, T>C on the plus strand (A>G on the coding strand, the complement: PIGN is on the minus strand). VCF-style: chr18-62085223-T-C. GRCh37 (hg19) VCF-style: chr18-59752456-T-C.
Other names: c.2412A>G, p.Ile804Met (NM_012327.6); short protein forms I804M.
Identifiers: ClinVar variation 800157 (VCV000800157.10), dbSNP rs201902492, ClinGen allele CA8981993.